The following is an entry in ClinVar:

ClinVar aggregate classification (germline): Conflicting classifications of pathogenicity. Review status: criteria provided, conflicting classifications (1 of 4 stars). 3 submissions from 3 submitters: Uncertain significance (2); Likely benign (1). Last evaluated 2026-05-20.

Conditions:
Inborn genetic diseases. Identifiers: MedGen C0950123, MeSH D030342.

Allele frequency attached by ClinVar (database versions not stated): ExAC 0.00003; gnomAD 0.00003 and 0.00005; gnomAD exomes 0.00002 and 0.00005; TOPMed 0.00003.
gnomAD v4.1: 42 of 1,612,364 alleles (0.0026%); highest among the groups gnomAD compares: Middle Eastern, 0.05%; no homozygotes.

Submissions (3):

Ambry Genetics
Classification: Likely benign for Inborn genetic diseases. Last evaluated: 2026-05-20. Review status: criteria provided, single submitter. Criteria: Ambry Variant Classification Scheme 2023. Collection method: clinical testing. Allele origin: germline.

Labcorp Genetics (formerly Invitae), Labcorp
Classification: Uncertain significance. Last evaluated: 2026-01-28. Review status: criteria provided, single submitter. Criteria: Invitae Variant Classification Sherloc (09022015). Collection method: clinical testing. Allele origin: germline.
Comment: This sequence change replaces isoleucine, which is neutral and non-polar, with threonine, which is neutral and polar, at codon 390 of the KCNQ5 protein (p.Ile390Thr). This variant is present in population databases (rs200362919, gnomAD 0.02%). This variant has not been reported in the literature in individuals affected with KCNQ5-related conditions. ClinVar contains an entry for this variant (Variation ID: 1376359). Invitae Evidence Modeling of protein sequence and biophysical properties (such as structural, functional, and spatial information, amino acid conservation, physicochemical variation, residue mobility, and thermodynamic stability) indicates that this missense variant is not expected to disrupt KCNQ5 protein function with a negative predictive value of 80%. In summary, the available evidence is currently insufficient to determine the role of this variant in disease. Therefore, it has been classified as a Variant of Uncertain Significance.

Breakthrough Genomics
Classification: Uncertain significance. Review status: criteria provided, single submitter. Criteria: ACMG Guidelines, 2015. Collection method: not provided. Allele origin: germline. Inheritance: Autosomal dominant inheritance. Affected: yes.

NM_019842.4(KCNQ5):c.1169T>C (p.Ile390Thr)

Gene: KCNQ5 (potassium voltage-gated channel subfamily Q member 5; plus strand). Cytogenetic location: 6q13.
Variant type: single nucleotide variant.
Coding change: c.1169T>C on transcript NM_019842.4 (MANE Select); coding-DNA position 1169, T replaced by C.
Protein change: p.Ile390Thr; replaces isoleucine 390 with threonine.
Molecular consequence: missense variant.
Genome position (GRCh38, 1-based): chr6:73,120,526, T>C. VCF-style: chr6-73120526-T-C. GRCh37 (hg19) VCF-style: chr6-73830249-T-C.
Other names: c.1169T>C, p.Ile390Thr (NM_001160130.2, NM_001160132.2, NM_001160133.2 and 1 more transcripts); c.1169T>C (NM_001160133.1); short protein forms I390T.
Identifiers: ClinVar variation 1376359 (VCV001376359.10), dbSNP rs200362919, ClinGen allele CA3886917.
Genomic context (GRCh38, chr6:73,120,526, plus strand): 5'-ATCTATGCCACATGCAGTGTGTTTGGCGTAGTTACGCAGCTGATGAGAAATCTGTTTCCA[T>C]TGCAACCTGGAAGCCACACTTGAAGGCCTTGCACACCTGCAGCCCTACCAAGTAGGTATC-3'
Protein context (NP_062816.2, residues 380-400): SYAADEKSVS[Ile390Thr]ATWKPHLKAL